The following is an entry in ClinVar:

ClinVar aggregate classification (germline): Uncertain significance (1 of 4 stars; one submission).

gnomAD v4.1: 1 of 1,613,580 alleles (0.000062%); highest among the groups gnomAD compares: South Asian, 0.0011%; no homozygotes.

Submission:

Labcorp Genetics (formerly Invitae), Labcorp
Classification: Uncertain significance. Last evaluated: 2023-08-16. Review status: criteria provided, single submitter. Criteria: Invitae Variant Classification Sherloc (09022015). Collection method: clinical testing. Allele origin: germline.
Comment: In summary, the available evidence is currently insufficient to determine the role of this variant in disease. Therefore, it has been classified as a Variant of Uncertain Significance. Advanced modeling of protein sequence and biophysical properties (such as structural, functional, and spatial information, amino acid conservation, physicochemical variation, residue mobility, and thermodynamic stability) has been performed at Invitae for this missense variant, however the output from this modeling did not meet the statistical confidence thresholds required to predict the impact of this variant on GUCY2C protein function. This variant has not been reported in the literature in individuals affected with GUCY2C-related conditions. This variant is not present in population databases (gnomAD no frequency). This sequence change replaces arginine, which is basic and polar, with serine, which is neutral and polar, at codon 653 of the GUCY2C protein (p.Arg653Ser).

NM_004963.4(GUCY2C):c.1957C>A (p.Arg653Ser)

Gene: GUCY2C (guanylate cyclase 2C; minus strand). Cytogenetic location: 12p12.3.
Variant type: single nucleotide variant.
Coding change: c.1957C>A on transcript NM_004963.4 (MANE Select); coding-DNA position 1957, C replaced by A.
Protein change: p.Arg653Ser; replaces arginine 653 with serine.
Molecular consequence: missense variant.
Genome position (GRCh38, 1-based): chr12:14,641,193, G>T on the plus strand (C>A on the coding strand, the complement: GUCY2C is on the minus strand). VCF-style: chr12-14641193-G-T. GRCh37 (hg19) VCF-style: chr12-14794127-G-T.
Other names: short protein forms R653S.
Identifiers: ClinVar variation 2751781 (VCV002751781.3), dbSNP rs148314105, ClinGen allele CA383984165.